The following is an entry in ClinVar:

ClinVar aggregate classification (germline): Uncertain significance (1 of 4 stars; one submission).

Allele frequency attached by ClinVar (database versions not stated): TOPMed below 0.00001; ExAC 0.00002.
gnomAD v4.1: 2 of 1,614,056 alleles (0.00012%); highest among the groups gnomAD compares: Non-Finnish European, 0.00017%; no homozygotes.

Submission:

Labcorp Genetics (formerly Invitae), Labcorp
Classification: Uncertain significance. Last evaluated: 2022-05-15. Review status: criteria provided, single submitter. Criteria: Invitae Variant Classification Sherloc (09022015). Collection method: clinical testing. Allele origin: germline.
Comment: Algorithms developed to predict the effect of missense changes on protein structure and function output the following: SIFT: "Tolerated"; PolyPhen-2: "Benign"; Align-GVGD: "Class C0". The asparagine amino acid residue is found in multiple mammalian species, which suggests that this missense change does not adversely affect protein function. In summary, the available evidence is currently insufficient to determine the role of this variant in disease. Therefore, it has been classified as a Variant of Uncertain Significance. This variant has not been reported in the literature in individuals affected with SLC9A1-related conditions. This variant is present in population databases (rs768579781, gnomAD 0.002%). This sequence change replaces histidine, which is basic and polar, with asparagine, which is neutral and polar, at codon 81 of the SLC9A1 protein (p.His81Asn).

NM_003047.5(SLC9A1):c.241C>A (p.His81Asn)

Gene: SLC9A1 (solute carrier family 9 member A1; minus strand). Cytogenetic location: 1p36.11.
Variant type: single nucleotide variant.
Coding change: c.241C>A on transcript NM_003047.5 (MANE Select); coding-DNA position 241, C replaced by A.
Protein change: p.His81Asn; replaces histidine 81 with asparagine.
Molecular consequence: missense variant. On other transcripts: non-coding transcript variant (1).
Genome position (GRCh38, 1-based): chr1:27,154,094, G>T on the plus strand (C>A on the coding strand, the complement: SLC9A1 is on the minus strand). VCF-style: chr1-27154094-G-T. GRCh37 (hg19) VCF-style: chr1-27480585-G-T.
Other names: short protein forms H81N.
Identifiers: ClinVar variation 1994637 (VCV001994637.4), dbSNP rs768579781, ClinGen allele CA711382.